The following is an entry in ClinVar:

ClinVar aggregate classification (germline): Uncertain significance. Review status: criteria provided, multiple submitters, no conflicts (2 of 4 stars). 2 submissions from 2 submitters: Uncertain significance (2). Last evaluated 2021-08-24.

Conditions:
Congenital myasthenic syndrome 11. Also called: Myasthenic syndrome, congenital, 11, associated with acetylcholine receptor deficiency; MYASTHENIC SYNDROME, CONGENITAL, Ie. Identifiers: Orphanet 590, MedGen C4225367, MONDO:0014588, OMIM 616326.
Fetal akinesia deformation sequence 1 (FADS1). Also called: Fetal akinesia sequence; Pena-Shokeir syndrome type I. Identifiers: Orphanet 994, MedGen C1276035, MONDO:0100101, OMIM 208150, HP:0001989.

Submissions (2):

Labcorp Genetics (formerly Invitae), Labcorp
Classification: Uncertain significance for Congenital myasthenic syndrome 11; Fetal akinesia deformation sequence 1. Last evaluated: 2021-08-24. Review status: criteria provided, single submitter. Criteria: Invitae Variant Classification Sherloc (09022015). Collection method: clinical testing. Allele origin: germline.
Comment: This variant is not present in population databases (ExAC no frequency). In summary, the available evidence is currently insufficient to determine the role of this variant in disease. Therefore, it has been classified as a Variant of Uncertain Significance. Algorithms developed to predict the effect of missense changes on protein structure and function (SIFT, PolyPhen-2, Align-GVGD) all suggest that this variant is likely to be disruptive. This variant has not been reported in the literature in individuals affected with RAPSN-related conditions. This sequence change replaces tyrosine with cysteine at codon 59 of the RAPSN protein (p.Tyr59Cys). The tyrosine residue is highly conserved and there is a large physicochemical difference between tyrosine and cysteine.

Revvity Omics, Revvity
Classification: Uncertain significance. Last evaluated: 2019-07-22. Review status: criteria provided, single submitter. Criteria: ACMG Guidelines, 2015. Collection method: clinical testing. Allele origin: germline.

NM_005055.5(RAPSN):c.176A>G (p.Tyr59Cys)

Gene: RAPSN (receptor associated protein of the synapse; minus strand). Cytogenetic location: 11p11.2.
Variant type: single nucleotide variant.
Coding change: c.176A>G on transcript NM_005055.5 (MANE Select); coding-DNA position 176, A replaced by G.
Protein change: p.Tyr59Cys; replaces tyrosine 59 with cysteine.
Molecular consequence: missense variant.
Genome position (GRCh38, 1-based): chr11:47,448,789, T>C on the plus strand (A>G on the coding strand, the complement: RAPSN is on the minus strand). VCF-style: chr11-47448789-T-C. GRCh37 (hg19) VCF-style: chr11-47470341-T-C.
Other names: c.176A>G (NM_005055.4); c.176A>G, p.Tyr59Cys (NM_032645.5); short protein forms Y59C.
Identifiers: ClinVar variation 1443915 (VCV001443915.8), dbSNP rs2153311689, ClinGen allele CA380335748.